The following is an entry in ClinVar:

ClinVar aggregate classification (germline): Pathogenic (1 of 4 stars; one submission).

Conditions:
Fanconi anemia (FA). Also called: Fanconi's anemia. Identifiers: Orphanet 84, MedGen C0015625, MeSH D005199, MONDO:0019391.

Submission:

Labcorp Genetics (formerly Invitae), Labcorp
Classification: Pathogenic for Fanconi anemia. Last evaluated: 2022-01-19. Review status: criteria provided, single submitter. Criteria: Invitae Variant Classification Sherloc (09022015). Collection method: clinical testing. Allele origin: germline.
Comment: This sequence change affects an acceptor splice site in intron 9 of the FANCG gene. It is expected to disrupt RNA splicing. Variants that disrupt the donor or acceptor splice site typically lead to a loss of protein function (PMID: 16199547), and loss-of-function variants in FANCG are known to be pathogenic (PMID: 12552564). This variant is not present in population databases (gnomAD no frequency). Disruption of this splice site has been observed in individuals with Fanconi anemia (PMID: 11093276, 24584348). Algorithms developed to predict the effect of sequence changes on RNA splicing suggest that this variant may disrupt the consensus splice site. For these reasons, this variant has been classified as Pathogenic.

Literature cited by the submitters: PubMed 16199547; PubMed 12552564; PubMed 11093276; PubMed 24584348.

NM_004629.2(FANCG):c.1144-2A>G

Gene: FANCG (FA complementation group G; minus strand). Cytogenetic location: 9p13.3.
Variant type: single nucleotide variant.
Coding change: c.1144-2A>G on transcript NM_004629.2 (MANE Select); the canonical splice acceptor site of the intron before coding-DNA position 1144, A replaced by G.
Molecular consequence: splice acceptor variant.
Genome position (GRCh38, 1-based): chr9:35,075,756, T>C on the plus strand (A>G on the coding strand, the complement: FANCG is on the minus strand). VCF-style: chr9-35075756-T-C. GRCh37 (hg19) VCF-style: chr9-35075753-T-C.
Identifiers: ClinVar variation 2088008 (VCV002088008.4), dbSNP rs2490398544, ClinGen allele CA373309790.
Genomic context (GRCh38, chr9:35,075,756, plus strand): 5'-GCTGCCTCCAAAAACACCTCAGGCATACAGGGCCCTGGAGGGGAGGGGGGTGGGGAGAAC[T>C]GGAGTGGGAAGAAGAAGCAGTGTCTTGAAAGGCATGAGCCACCATCCCCAACCTCTTCAC-3'